The following is an entry in ClinVar:

ClinVar aggregate classification (germline): Uncertain significance. Review status: criteria provided, multiple submitters, no conflicts (2 of 4 stars). 4 submissions from 4 submitters: Uncertain significance (4). Last evaluated 2025-12-18.

Conditions:
Nephronophthisis 15 (NPHP15). Identifiers: Orphanet 3156, MedGen C3541853, MONDO:0013917, OMIM 614845.
Inborn genetic diseases. Identifiers: MedGen C0950123, MeSH D030342.
CEP164-related disorder. Also called: CEP164-related condition.

gnomAD v4.1: 28 of 1,613,738 alleles (0.0017%); highest among the groups gnomAD compares: East Asian, 0.0089%; no homozygotes.

Submissions (4):

Labcorp Genetics (formerly Invitae), Labcorp
Classification: Uncertain significance for Nephronophthisis 15. Last evaluated: 2025-12-18. Review status: criteria provided, single submitter. Criteria: Invitae Variant Classification Sherloc (09022015). Collection method: clinical testing. Allele origin: germline.
Comment: This sequence change replaces arginine, which is basic and polar, with glutamine, which is neutral and polar, at codon 916 of the CEP164 protein (p.Arg916Gln). This variant is present in population databases (rs748681315, gnomAD 0.01%). This variant has not been reported in the literature in individuals affected with CEP164-related conditions. ClinVar contains an entry for this variant (Variation ID: 2417539). Invitae Evidence Modeling of protein sequence and biophysical properties (such as structural, functional, and spatial information, amino acid conservation, physicochemical variation, residue mobility, and thermodynamic stability) indicates that this missense variant is not expected to disrupt CEP164 protein function with a negative predictive value of 80%. In summary, the available evidence is currently insufficient to determine the role of this variant in disease. Therefore, it has been classified as a Variant of Uncertain Significance.

PreventionGenetics, part of Exact Sciences
Classification: Uncertain significance for CEP164-related condition. Last evaluated: 2025-02-06. Review status: criteria provided, single submitter. Criteria: ACMG Guidelines, 2015. Collection method: clinical testing. Allele origin: germline.
Comment: The CEP164 c.2747G>A variant is predicted to result in the amino acid substitution p.Arg916Gln. To our knowledge, this variant has not been reported in the literature. This variant is reported in 0.014% of alleles in individuals of European (Finnish) descent in gnomAD. At this time, the clinical significance of this variant is uncertain due to the absence of conclusive functional and genetic evidence.

Fulgent Genetics
Classification: Uncertain significance for Nephronophthisis 15. Last evaluated: 2024-02-02. Review status: criteria provided, single submitter. Criteria: ACMG Guidelines, 2015. Collection method: clinical testing. Allele origin: germline.

Ambry Genetics
Classification: Uncertain significance for Inborn genetic diseases. Last evaluated: 2023-11-18. Review status: criteria provided, single submitter. Criteria: Ambry Variant Classification Scheme 2023. Collection method: clinical testing. Allele origin: germline.

NM_014956.5(CEP164):c.2747G>A (p.Arg916Gln)

Gene: CEP164 (centrosomal protein 164; plus strand). Cytogenetic location: 11q23.3.
Variant type: single nucleotide variant.
Coding change: c.2747G>A on transcript NM_014956.5 (MANE Select); coding-DNA position 2747, G replaced by A.
Protein change: p.Arg916Gln; replaces arginine 916 with glutamine.
Molecular consequence: missense variant.
Genome position (GRCh38, 1-based): chr11:117,394,480, G>A. VCF-style: chr11-117394480-G-A. GRCh37 (hg19) VCF-style: chr11-117265196-G-A.
Other names: c.2747G>A (NM_014956.4); c.2756G>A, p.Arg919Gln (NM_001271933.2); short protein forms R916Q, R919Q.
Identifiers: ClinVar variation 2417539 (VCV002417539.7), dbSNP rs748681315, ClinGen allele CA6295201.